The following is an entry in ClinVar:

ClinVar aggregate classification (germline): Pathogenic. Review status: criteria provided, single submitter (1 of 4 stars). 2 submissions from 2 submitters: Pathogenic (1). 1 of the submissions does not count toward it. Last evaluated 2021-07-13.

Conditions:
COL2A1-related disorder. Also called: COL2A1-related condition; COL2A1-related disorders.

Submissions (2):

Labcorp Genetics (formerly Invitae), Labcorp
Classification: Pathogenic. Last evaluated: 2021-07-13. Review status: criteria provided, single submitter. Criteria: Invitae Variant Classification Sherloc (09022015). Collection method: clinical testing. Allele origin: germline.
Comment: For these reasons, this variant has been classified as Pathogenic. This variant disrupts the triple helix domain of COL2A1. Glycine residues within the Gly-Xaa-Yaa repeats of the triple helix domain are required for the structure and stability of fibrillar collagens (PMID: 7695699, 8218237, 19344236). In COL2A1, variants affecting these glycine residues are significantly enriched in individuals with disease (PMID: 9016532, 17078022) compared to the general population (ExAC). Advanced modeling of protein sequence and biophysical properties (such as structural, functional, and spatial information, amino acid conservation, physicochemical variation, residue mobility, and thermodynamic stability) performed at Invitae indicates that this missense variant is expected to disrupt COL2A1 protein function. This missense change has been observed in individuals with clinical features of autosomal dominant COL2A1-related conditions (PMID: 20513134, 31006186; Invitae). This variant is not present in population databases (ExAC no frequency). This sequence change replaces glycine with arginine at codon 501 of the COL2A1 protein (p.Gly501Arg). The glycine residue is highly conserved and there is a moderate physicochemical difference between glycine and arginine.

PreventionGenetics, part of Exact Sciences
Classification: Likely pathogenic for COL2A1-related condition. Last evaluated: 2024-09-19. Review status: no assertion criteria provided. Collection method: clinical testing. Allele origin: germline. Not counted in ClinVar's aggregate classification.
Comment: The COL2A1 c.1501G>A variant is predicted to result in the amino acid substitution p.Gly501Arg. This variant was reported as a de novo finding in an individual with spondyloepiphyseal dysplasia congenita (Zhang et al. 2021. PubMed ID: 34091931). Another nucleotide change resulting in the same missense alteration has also been reported in a patient with a similar presentation (Richards et al. 2010. PubMed ID: 20513134). This variant has not been reported in a large population database, indicating this variant is rare. This variant affects a Gly residue of the conserved triple helical region from amino acids 201-1214. Glycine substitutions in the triple helical region of COL2A1 are expected to be pathogenic (Barat-Houari et al. 2016. PubMed ID: 26626311). This variant is interpreted as likely pathogenic.

Literature cited by the submitters: PubMed 7695699 (cited by Labcorp Genetics (formerly Invitae), Labcorp); PubMed 8218237 (cited by Labcorp Genetics (formerly Invitae), Labcorp); PubMed 19344236 (cited by Labcorp Genetics (formerly Invitae), Labcorp); PubMed 9016532 (cited by Labcorp Genetics (formerly Invitae), Labcorp); PubMed 17078022 (cited by Labcorp Genetics (formerly Invitae), Labcorp); PubMed 20513134 (cited by Labcorp Genetics (formerly Invitae), Labcorp); PubMed 31006186 (cited by Labcorp Genetics (formerly Invitae), Labcorp).

NM_001844.5(COL2A1):c.1501G>A (p.Gly501Arg)

Gene: COL2A1 (collagen type II alpha 1 chain; minus strand). Cytogenetic location: 12q13.11.
Variant type: single nucleotide variant.
Coding change: c.1501G>A on transcript NM_001844.5 (MANE Select); coding-DNA position 1501, G replaced by A.
Protein change: p.Gly501Arg; replaces glycine 501 with arginine.
Molecular consequence: missense variant.
Genome position (GRCh38, 1-based): chr12:47,986,362, C>T on the plus strand (G>A on the coding strand, the complement: COL2A1 is on the minus strand). VCF-style: chr12-47986362-C-T. GRCh37 (hg19) VCF-style: chr12-48380145-C-T.
Other names: c.1501G>A (NM_001844.4); c.1294G>A, p.Gly432Arg (NM_033150.3); short protein forms G501R, G432R.
Identifiers: ClinVar variation 1398438 (VCV001398438.7), dbSNP rs866502805, ClinGen allele CA384552514.